The following is an entry in ClinVar:

NM_021619.3(PRDM12):c.1095G>A (p.Met365Ile)

Gene: PRDM12 (PR/SET domain 12; plus strand). Cytogenetic location: 9q34.12.
Variant type: single nucleotide variant.
Coding change: c.1095G>A on transcript NM_021619.3 (MANE Select); coding-DNA position 1095, G replaced by A.
Protein change: p.Met365Ile; replaces methionine 365 with isoleucine.
Molecular consequence: missense variant.
Genome position (GRCh38, 1-based): chr9:130,681,660, G>A. VCF-style: chr9-130681660-G-A. GRCh37 (hg19) VCF-style: chr9-133557047-G-A.
Other names: short protein forms M365I.
Identifiers: ClinVar variation 1495074 (VCV001495074.6), dbSNP rs2132608956, ClinGen allele CA375245346.

ClinVar aggregate classification (germline): Uncertain significance (1 of 4 stars; one submission).

Conditions:
Congenital insensitivity to pain-hypohidrosis syndrome. Also called: HSAN VIII; Neuropathy, hereditary sensory and autonomic, type VIII. Identifiers: Orphanet 478664, MedGen C4225308, MONDO:0014662, OMIM 616488.

Allele frequency attached by ClinVar (database versions not stated): gnomAD exomes below 0.00001.
gnomAD v4.1: 1 of 978,570 alleles (0.0001%); highest among the groups gnomAD compares: Non-Finnish European, 0.00012%; no homozygotes.

Submission:

Labcorp Genetics (formerly Invitae), Labcorp
Classification: Uncertain significance for Congenital insensitivity to pain-hypohidrosis syndrome. Last evaluated: 2021-08-02. Review status: criteria provided, single submitter. Criteria: Invitae Variant Classification Sherloc (09022015). Collection method: clinical testing. Allele origin: germline.
Comment: The frequency data for this variant in the population databases is considered unreliable, as metrics indicate insufficient coverage at this position in the ExAC database. Algorithms developed to predict the effect of missense changes on protein structure and function are either unavailable or do not agree on the potential impact of this missense change (SIFT: "Deleterious"; PolyPhen-2: "Not Available"; Align-GVGD: "Class C0"). This variant has not been reported in the literature in individuals affected with PRDM12-related conditions. This sequence change replaces methionine with isoleucine at codon 365 of the PRDM12 protein (p.Met365Ile). The methionine residue is highly conserved and there is a small physicochemical difference between methionine and isoleucine. Algorithms developed to predict the effect of sequence changes on RNA splicing suggest that this variant may create or strengthen a splice site. In summary, the available evidence is currently insufficient to determine the role of this variant in disease. Therefore, it has been classified as a Variant of Uncertain Significance.